The following is an entry in ClinVar:

NM_002230.4(JUP):c.1477A>G (p.Asn493Asp)

Gene: JUP (junction plakoglobin; minus strand). Cytogenetic location: 17q21.2.
Variant type: single nucleotide variant.
Coding change: c.1477A>G on transcript NM_002230.4 (MANE Select); coding-DNA position 1477, A replaced by G.
Protein change: p.Asn493Asp; replaces asparagine 493 with aspartic acid.
Molecular consequence: missense variant.
Genome position (GRCh38, 1-based): chr17:41,763,003, T>C on the plus strand (A>G on the coding strand, the complement: JUP is on the minus strand). VCF-style: chr17-41763003-T-C. GRCh37 (hg19) VCF-style: chr17-39919255-T-C.
Other names: c.1477A>G, p.Asn493Asp (NM_001352773.2, NM_001352774.2, NM_001352775.2 and 3 more transcripts); short protein forms N493D.
Identifiers: ClinVar variation 4792360 (VCV004792360.1).
Genomic context (GRCh38, chr17:41,763,003, plus strand): 5'-CTGCTGCAGGGAGCTCCTTCCCCTCGCCTAACAGCAGTACCTTGACCAGTGGCCACTGGT[T>C]GGGCTGGTTGAGCAGCTTCACGATGGCTGGGATGCCATAGTTGAGACGCACAGAGTTCTG-3'
Protein context (NP_002221.1, residues 483-503): PAIVKLLNQP[Asn493Asp]QWPLVKATIG

ClinVar aggregate classification (germline): Uncertain significance (1 of 4 stars; one submission).

Conditions:
Arrhythmogenic right ventricular dysplasia 12. Also called: ARRHYTHMOGENIC RIGHT VENTRICULAR DYSPLASIA, FAMILIAL, 12. Identifiers: MedGen C1969081, MONDO:0012684, OMIM 611528.
Naxos disease (NXD). Also called: CARDIOMYOPATHY, ARRHYTHMOGENIC RIGHT VENTRICULAR, WITH SKIN, HAIR, AND NAIL ABNORMALITIES; KERATOSIS PALMOPLANTARIS WITH ARRHYTHMOGENIC CARDIOMYOPATHY; MAL DE NAXOS; PALMOPLANTAR KERATODERMA WITH ARRHYTHMOGENIC RIGHT VENTRICULAR CARDIOMYOPATHY AND WOOLLY HAIR; WOOLLY HAIR, PALMOPLANTAR KERATODERMA, AND CARDIAC ABNORMALITIES. Identifiers: Orphanet 34217, MedGen C1832600, MONDO:0011017, OMIM 601214.

Submission:

Labcorp Genetics (formerly Invitae), Labcorp
Classification: Uncertain significance for Arrhythmogenic right ventricular dysplasia 12; Naxos disease. Last evaluated: 2025-08-24. Review status: criteria provided, single submitter. Criteria: Invitae Variant Classification Sherloc (09022015). Collection method: clinical testing. Allele origin: germline.
Comment: This sequence change replaces asparagine, which is neutral and polar, with aspartic acid, which is acidic and polar, at codon 493 of the JUP protein (p.Asn493Asp). This variant is not present in population databases (gnomAD no frequency). This variant has not been reported in the literature in individuals affected with JUP-related conditions. An algorithm developed to predict the effect of missense changes on protein structure and function (PolyPhen-2) suggests that this variant is likely to be tolerated. In summary, the available evidence is currently insufficient to determine the role of this variant in disease. Therefore, it has been classified as a Variant of Uncertain Significance.